The following is an entry in ClinVar:

ClinVar aggregate classification (germline): Pathogenic (1 of 4 stars; one submission).

Conditions:
Intellectual disability. Also called: intellectual disabilities; Intellectual functioning disability; Intellectual developmental disorder. Identifiers: MedGen C3714756, MeSH D008607, MONDO:0001071, HP:0001249.

Submission:

Genetics Laboratory, UDIAT-Centre Diagnòstic, Hospital Universitari Parc Tauli
Classification: Pathogenic for Intellectual disability. Last evaluated: 2022-10-04. Review status: criteria provided, single submitter. Criteria: Parc Tauli Hospital Assertion Criteria 2021. Collection method: clinical testing. Allele origin: de novo. Inheritance: Autosomal dominant inheritance. Affected: yes.
Comment: PVS1;PM2_supporting;PM6

NM_020706.2(SCAF4):c.1068+3A>G

Gene: SCAF4 (SR-related CTD associated factor 4; minus strand). Cytogenetic location: 21q22.11.
Variant type: single nucleotide variant.
Coding change: c.1068+3A>G on transcript NM_020706.2 (MANE Select); 3 bases into the intron after coding-DNA position 1068, A replaced by G.
Molecular consequence: intron variant.
Genome position (GRCh38, 1-based): chr21:31,696,110, T>C on the plus strand (A>G on the coding strand, the complement: SCAF4 is on the minus strand). VCF-style: chr21-31696110-T-C. GRCh37 (hg19) VCF-style: chr21-33068423-T-C.
Other names: c.1023+3A>G (NM_001145444.1); c.1068+3A>G (NM_001145445.1).
Identifiers: ClinVar variation 1708237 (VCV001708237.2), dbSNP rs2516774500, ClinGen allele CA2580098549.